The following is an entry in ClinVar:

ClinVar aggregate classification (germline): Uncertain significance. Review status: criteria provided, multiple submitters, no conflicts (2 of 4 stars). 2 submissions from 2 submitters: Uncertain significance (2). Last evaluated 2025-09-13.

Conditions:
Inborn genetic diseases. Identifiers: MedGen C0950123, MeSH D030342.

Allele frequency attached by ClinVar (database versions not stated): ExAC 0.00001; gnomAD 0.00001 and 0.00003; TOPMed 0.00001.

Submissions (2):

Labcorp Genetics (formerly Invitae), Labcorp
Classification: Uncertain significance. Last evaluated: 2025-09-13. Review status: criteria provided, single submitter. Criteria: Invitae Variant Classification Sherloc (09022015). Collection method: clinical testing. Allele origin: germline.
Comment: This sequence change replaces methionine, which is neutral and non-polar, with leucine, which is neutral and non-polar, at codon 1895 of the MPDZ protein (p.Met1895Leu). This variant is present in population databases (rs770919214, gnomAD 0.02%). This variant has not been reported in the literature in individuals affected with MPDZ-related conditions. ClinVar contains an entry for this variant (Variation ID: 1441621). An algorithm developed to predict the effect of missense changes on protein structure and function (PolyPhen-2) suggests that this variant is likely to be disruptive. In summary, the available evidence is currently insufficient to determine the role of this variant in disease. Therefore, it has been classified as a Variant of Uncertain Significance.

Ambry Genetics
Classification: Uncertain significance for Inborn genetic diseases. Last evaluated: 2021-09-01. Review status: criteria provided, single submitter. Criteria: Ambry Variant Classification Scheme 2023. Collection method: clinical testing. Allele origin: germline.

NM_001378778.1(MPDZ):c.5770A>C (p.Met1924Leu)

Gene: MPDZ (multiple PDZ domain crumbs cell polarity complex component; minus strand). Cytogenetic location: 9p23.
Variant type: single nucleotide variant.
Coding change: c.5770A>C on transcript NM_001378778.1 (MANE Select); coding-DNA position 5770, A replaced by C.
Protein change: p.Met1924Leu; replaces methionine 1924 with leucine.
Molecular consequence: missense variant.
Genome position (GRCh38, 1-based): chr9:13,110,695, T>G on the plus strand (A>C on the coding strand, the complement: MPDZ is on the minus strand). VCF-style: chr9-13110695-T-G. GRCh37 (hg19) VCF-style: chr9-13110694-T-G.
Other names: c.5683A>C (NM_003829.3); c.5671A>C, p.Met1891Leu (NM_001261406.2, NM_001375416.1, NM_001375417.1 and 1 more transcripts); c.5584A>C, p.Met1862Leu (NM_001261407.2, NM_001375419.1); c.5770A>C, p.Met1924Leu (NM_001330637.2); c.5869A>C, p.Met1957Leu (NM_001375413.1); c.5560A>C, p.Met1854Leu (NM_001375420.1, NM_001375421.1, NM_001375422.1 and 2 more transcripts); c.5473A>C, p.Met1825Leu (NM_001375425.1, NM_001375426.1); c.5362A>C, p.Met1788Leu (NM_001375427.1); and 1 more; short protein forms M1854L, M1862L, M1891L, M1957L, M1825L, M1895L, M1788L, M1924L.
Identifiers: ClinVar variation 1441621 (VCV001441621.7), dbSNP rs770919214, ClinGen allele CA4986119.
Genomic context (GRCh38, chr9:13,110,695, plus strand): 5'-CCTGCATTTCAATGGAGCCAGATGCATTTTTCAGTAGGTTAACTGCTTGGGTGTGAGTCA[T>G]GCCCTCAGTGGATGTGCCACAGATGGTGACAATCCTATCCCCAACCTGCAAGGGAGAGAA-3'
Protein context (NP_001365707.1, residues 1914-1934): VTICGTSTEG[Met1924Leu]THTQAVNLLK